The following is an entry in ClinVar:

NM_001346249.2(RALGAPA1):c.7177C>T (p.Pro2393Ser)

Gene: RALGAPA1 (Ral GTPase activating protein catalytic subunit alpha 1; minus strand). Cytogenetic location: 14q13.2.
Variant type: single nucleotide variant.
Coding change: c.7177C>T on transcript NM_001346249.2 (MANE Select); coding-DNA position 7177, C replaced by T.
Protein change: p.Pro2393Ser; replaces proline 2393 with serine.
Molecular consequence: missense variant.
Genome position (GRCh38, 1-based): chr14:35,595,666, G>A on the plus strand (C>T on the coding strand, the complement: RALGAPA1 is on the minus strand). VCF-style: chr14-35595666-G-A. GRCh37 (hg19) VCF-style: chr14-36064872-G-A.
Other names: c.5698C>T, p.Pro1900Ser (NM_001283043.3); c.5800C>T, p.Pro1934Ser (NM_001283044.3, NM_001346245.2, NM_001346247.2); c.7036C>T, p.Pro2346Ser (NM_001330075.3, NM_001346248.2); c.5659C>T, p.Pro1887Ser (NM_001346243.2, NM_001346246.2, NM_014990.3 and 1 more transcripts); short protein forms P1887S, P2393S, P1900S, P1934S, P2346S.
Identifiers: ClinVar variation 4628818 (VCV004628818.3).

ClinVar aggregate classification (germline): Uncertain significance. Review status: criteria provided, multiple submitters, no conflicts (2 of 4 stars). 2 submissions from 2 submitters: Uncertain significance (2). Last evaluated 2025-10-22.

Conditions:
Inborn genetic diseases. Identifiers: MedGen C0950123, MeSH D030342.
Neurodevelopmental disorder with hypotonia, neonatal respiratory insufficiency, and thermodysregulation. Identifiers: MedGen C5394091, MONDO:0032921, OMIM 618797.

gnomAD v4.1: 50 of 1,612,066 alleles (0.0031%); highest among the groups gnomAD compares: East Asian, 0.022%; no homozygotes.

Submissions (2):

Ambry Genetics
Classification: Uncertain significance for Inborn genetic diseases. Last evaluated: 2025-10-22. Review status: criteria provided, single submitter. Criteria: Ambry Variant Classification Scheme 2023. Collection method: clinical testing. Allele origin: germline.

Juno Genomics, Hangzhou Juno Genomics, Inc
Classification: Uncertain significance for Neurodevelopmental disorder with hypotonia, neonatal respiratory insufficiency, and thermodysregulation. Review status: criteria provided, single submitter. Criteria: ACMG Guidelines, 2015. Collection method: clinical testing. Allele origin: germline.
Comment: Absent from controls (or at extremely low frequency if recessive) in Genome Aggregation Database.;Missense variant in a gene that has a low rate of benign missense variation.;Multiple lines of computational evidence support a deleterious effect on the gene or gene product.